The following is an entry in ClinVar:

NM_001330260.2(SCN8A):c.1438A>G (p.Ile480Val)

Gene: SCN8A (sodium voltage-gated channel alpha subunit 8; plus strand). Cytogenetic location: 12q13.13.
Variant type: single nucleotide variant.
Coding change: c.1438A>G on transcript NM_001330260.2 (MANE Select); coding-DNA position 1438, A replaced by G.
Protein change: p.Ile480Val; replaces isoleucine 480 with valine.
Molecular consequence: missense variant.
Genome position (GRCh38, 1-based): chr12:51,706,518, A>G. VCF-style: chr12-51706518-A-G. GRCh37 (hg19) VCF-style: chr12-52100302-A-G.
Other names: c.1438A>G, p.Ile480Val (NM_001177984.3, NM_001369788.1, NM_014191.4); short protein forms I480V.
Identifiers: ClinVar variation 3625911 (VCV003625911.2).
Genomic context (GRCh38, chr12:51,706,518, plus strand): 5'-GAAGATGCCATAGAGGAAGAAGGTGAAGAAGGAGGGGGCTCCCCTCGGAGCTCTTCTGAA[A>G]TCTCTAAACTCAGCTCAAAGAGTGCAAAGGAAAGACGTAACAGGAGAAAGAAGAGGAAGC-3'
Protein context (NP_001317189.1, residues 470-490): GGGSPRSSSE[Ile480Val]SKLSSKSAKE

ClinVar aggregate classification (germline): Uncertain significance (1 of 4 stars; one submission).

Conditions:
Early-infantile DEE. Also called: Early infantile epileptic encephalopathy with suppression bursts; Early infantile epileptic encephalopathy; Ohtahara syndrome. Identifiers: Orphanet 1934, MedGen C0393706, MONDO:0800491.

gnomAD v4.1: 4 of 1,605,670 alleles (0.00025%); highest among the groups gnomAD compares: African/African-American, 0.004%; no homozygotes.

Submission:

Labcorp Genetics (formerly Invitae), Labcorp
Classification: Uncertain significance for Early-infantile DEE. Last evaluated: 2024-03-20. Review status: criteria provided, single submitter. Criteria: Invitae Variant Classification Sherloc (09022015). Collection method: clinical testing. Allele origin: germline.
Comment: This sequence change replaces isoleucine, which is neutral and non-polar, with valine, which is neutral and non-polar, at codon 480 of the SCN8A protein (p.Ile480Val). This variant is present in population databases (no rsID available, gnomAD 0.01%). This variant has not been reported in the literature in individuals affected with SCN8A-related conditions. Advanced modeling of protein sequence and biophysical properties (such as structural, functional, and spatial information, amino acid conservation, physicochemical variation, residue mobility, and thermodynamic stability) performed at Invitae indicates that this missense variant is not expected to disrupt SCN8A protein function with a negative predictive value of 95%. In summary, the available evidence is currently insufficient to determine the role of this variant in disease. Therefore, it has been classified as a Variant of Uncertain Significance.